The following is an entry in ClinVar:

ClinVar aggregate classification (germline): Uncertain significance. Review status: criteria provided, multiple submitters, no conflicts (2 of 4 stars). 4 submissions from 4 submitters: Uncertain significance (4). Last evaluated 2022-10-24.

Conditions:
Inborn genetic diseases. Identifiers: MedGen C0950123, MeSH D030342.
RFT1-congenital disorder of glycosylation (CDG1N). Also called: CDG In; Congenital disorder of glycosylation type In; RFT1-CDG. Identifiers: Orphanet 244310, MedGen C2677590, MONDO:0012783, OMIM 612015.

Allele frequency attached by ClinVar (database versions not stated): ExAC 0.00003; gnomAD exomes 0.00004 and 0.00028; TOPMed 0.00010; ESP Exome Variant Server 0.00015; gnomAD 0.00016 and 0.00018.
gnomAD v4.1: 424 of 1,614,142 alleles (0.026%); highest among the groups gnomAD compares: Non-Finnish European, 0.034%; no homozygotes.

Submissions (4):

Labcorp Genetics (formerly Invitae), Labcorp
Classification: Uncertain significance for RFT1-congenital disorder of glycosylation. Last evaluated: 2022-10-24. Review status: criteria provided, single submitter. Criteria: Invitae Variant Classification Sherloc (09022015). Collection method: clinical testing. Allele origin: germline.
Comment: This sequence change replaces glycine, which is neutral and non-polar, with glutamic acid, which is acidic and polar, at codon 510 of the RFT1 protein (p.Gly510Glu). This variant is present in population databases (rs142016662, gnomAD 0.02%). This variant has not been reported in the literature in individuals affected with RFT1-related conditions. ClinVar contains an entry for this variant (Variation ID: 902847). Advanced modeling of protein sequence and biophysical properties (such as structural, functional, and spatial information, amino acid conservation, physicochemical variation, residue mobility, and thermodynamic stability) performed at Invitae indicates that this missense variant is not expected to disrupt RFT1 protein function. In summary, the available evidence is currently insufficient to determine the role of this variant in disease. Therefore, it has been classified as a Variant of Uncertain Significance.

ARUP Laboratories, Molecular Genetics and Genomics, ARUP Laboratories
Classification: Uncertain significance for RFT1-congenital disorder of glycosylation. Last evaluated: 2022-03-10. Review status: criteria provided, single submitter. Criteria: ARUP Molecular Germline Variant Investigation Process 2021. Collection method: clinical testing. Allele origin: germline.

Ambry Genetics
Classification: Uncertain significance for Inborn genetic diseases. Last evaluated: 2021-07-19. Review status: criteria provided, single submitter. Criteria: Ambry Variant Classification Scheme 2023. Collection method: clinical testing. Allele origin: germline.

Illumina Laboratory Services, Illumina
Classification: Uncertain significance for RFT1-congenital disorder of glycosylation. Last evaluated: 2018-01-13. Review status: criteria provided, single submitter. Criteria: ICSL Variant Classification Criteria 13 December 2019. Collection method: clinical testing. Allele origin: germline.

NM_052859.4(RFT1):c.1529G>A (p.Gly510Glu)

Gene: RFT1 (RFT1 glycolipid translocator homolog; minus strand). Cytogenetic location: 3p21.1.
Variant type: single nucleotide variant.
Coding change: c.1529G>A on transcript NM_052859.4 (MANE Select); coding-DNA position 1529, G replaced by A.
Protein change: p.Gly510Glu; replaces glycine 510 with glutamic acid.
Molecular consequence: missense variant.
Genome position (GRCh38, 1-based): chr3:53,092,000, C>T on the plus strand (G>A on the coding strand, the complement: RFT1 is on the minus strand). VCF-style: chr3-53092000-C-T. GRCh37 (hg19) VCF-style: chr3-53126016-C-T.
Other names: short protein forms G510E.
Identifiers: ClinVar variation 902847 (VCV000902847.8), dbSNP rs142016662, ClinGen allele CA2451125.